The following is an entry in ClinVar:

ClinVar aggregate classification (germline): Pathogenic (1 of 4 stars; one submission).

Conditions:
Mucopolysaccharidosis, MPS-II (MPS2). Also called: Hunter Syndrome; IDURONATE 2-SULFATASE DEFICIENCY; Mucopolysaccharidosis Type II; Mucopolysaccharidosis type 2; Attenuated MPS (subtype; formerly known as mild MPS II); Severe MPS II. Identifiers: Orphanet 580, Orphanet 79388, MedGen C0026705, MONDO:0010674, OMIM 309900.

Submission:

Laboratory of Diagnosis and Therapy of Lysosomal Disorders, University of Padova
Classification: Pathogenic for Mucopolysaccharidosis, MPS-II. Last evaluated: 2024-06-07. Review status: criteria provided, single submitter. Criteria: ACMG Guidelines, 2015. Collection method: literature only. Allele origin: germline. Affected: yes. Observed: 2 variant alleles.
Comment: In vitro or in vivo functional studies supportive of a damaging effect (PS3_Strong), Absent from controls (or at low frequency) in gnomAD database (PM2_Moderate), Missense variant in a gene with a low rate of benign missense variation (PP2_Supporting), Multiple lines of computational evidence support a deleterious effect (PP3_Supporting), Patient’s phenotype or family history highly specific for the disease (PP4_Strong)

Classification method: ACMG Guidelines [PMID:25741868] with modifications

Literature cited by the submitters: PubMed 9501270; PubMed 7887413; PubMed 7581397.

NM_000202.8(IDS):c.1009T>C (p.Trp337Arg)

Genes: IDS (iduronate 2-sulfatase; minus strand), LOC106050102 (IDS recombination region; plus strand). Cytogenetic location: Xq28.
Variant type: single nucleotide variant.
Coding change: c.1009T>C on transcript NM_000202.8 (MANE Select); coding-DNA position 1009, T replaced by C.
Protein change: p.Trp337Arg; replaces tryptophan 337 with arginine.
Molecular consequence: missense variant.
Genome position (GRCh38, 1-based): chrX:149,487,096, A>G on the plus strand (T>C on the coding strand, the complement: IDS is on the minus strand). VCF-style: chrX-149487096-A-G. GRCh37 (hg19) VCF-style: chrX-148568627-A-G.
Other names: c.739T>C, p.Trp247Arg (NM_001166550.4); short protein forms W247R, W337R.
Identifiers: ClinVar variation 3255916 (VCV003255916.2).